The following is an entry in ClinVar:

NM_052947.4(ALPK2):c.4736A>G (p.Gln1579Arg)

Genes: ALPK2 (alpha kinase 2; minus strand), LOC126862764 (BRD4-independent group 4 enhancer GRCh37_chr18:56202574-56203773; plus strand). Cytogenetic location: 18q21.31.
Variant type: single nucleotide variant.
Coding change: c.4736A>G on transcript NM_052947.4 (MANE Select); coding-DNA position 4736, A replaced by G.
Protein change: p.Gln1579Arg; replaces glutamine 1579 with arginine.
Molecular consequence: missense variant.
Genome position (GRCh38, 1-based): chr18:58,535,451, T>C on the plus strand (A>G on the coding strand, the complement: ALPK2 is on the minus strand). VCF-style: chr18-58535451-T-C. GRCh37 (hg19) VCF-style: chr18-56202683-T-C.
Other names: NC_000018.9:g.56202683T>C; short protein forms Q1579R.
Identifiers: ClinVar variation 3059389 (VCV003059389.3), dbSNP rs33910491, ClinGen allele CA8976644.

ClinVar aggregate classification (germline): Benign (0 of 4 stars; one submission).

Conditions:
ALPK2-related disorder. Also called: ALPK2-related condition.

Allele frequency attached by ClinVar (database versions not stated): 1000 Genomes Project 30x 0.06215; 1000 Genomes Project 0.06250; TOPMed 0.08545; gnomAD 0.08980; ESP Exome Variant Server 0.10049; ExAC 0.10192; gnomAD exomes 0.12514.
gnomAD v4.1: 196,330 of 1,614,180 alleles (12%); highest among the groups gnomAD compares: Middle Eastern, 15%; 13,179 homozygotes.

Submissions (7):

PreventionGenetics, part of Exact Sciences
Classification: Benign for ALPK2-related condition. Last evaluated: 2019-10-21. Review status: no assertion criteria provided. Collection method: clinical testing. Allele origin: germline.
Comment: This variant is classified as benign based on ACMG/AMP sequence variant interpretation guidelines (Richards et al. 2015 PMID: 25741868, with internal and published modifications).

Dr. Peter K. Rogan Lab, Western University
No classification provided (evidence only). Condition: Colorectal cancer. Review status: no classification provided. Collection method: in vitro. Allele origin: not applicable. Functional consequence: retained intron. Not counted in ClinVar's aggregate classification.

Dr. Peter K. Rogan Lab, Western University
No classification provided (evidence only). Condition: Colorectal cancer. Review status: no classification provided. Collection method: in vitro. Allele origin: not applicable. Functional consequence: retained intron. Not counted in ClinVar's aggregate classification.

Dr. Peter K. Rogan Lab, Western University
No classification provided (evidence only). Condition: Colorectal cancer. Review status: no classification provided. Collection method: in vitro. Allele origin: not applicable. Functional consequence: retained intron. Not counted in ClinVar's aggregate classification.

Dr. Peter K. Rogan Lab, Western University
No classification provided (evidence only). Condition: Colorectal cancer. Review status: no classification provided. Collection method: in vitro. Allele origin: not applicable. Functional consequence: retained intron. Not counted in ClinVar's aggregate classification.

Dr. Peter K. Rogan Lab, Western University
No classification provided (evidence only). Condition: Colorectal cancer. Review status: no classification provided. Collection method: in vitro. Allele origin: not applicable. Functional consequence: retained intron. Not counted in ClinVar's aggregate classification.

Dr. Peter K. Rogan Lab, Western University
No classification provided (evidence only). Condition: Uterine carcinosarcoma. Review status: no classification provided. Collection method: in vitro. Allele origin: not applicable. Functional consequence: retained intron. Not counted in ClinVar's aggregate classification.